The following is an entry in ClinVar:

ClinVar aggregate classification (germline): Uncertain significance. Review status: criteria provided, multiple submitters, no conflicts (2 of 4 stars). 2 submissions from 2 submitters: Uncertain significance (2). Last evaluated 2025-12-15.

Allele frequency attached by ClinVar (database versions not stated): gnomAD 0.00001; TOPMed 0.00001; gnomAD exomes 0.00002.
gnomAD v4.1: 28 of 1,613,834 alleles (0.0017%); highest among the groups gnomAD compares: Non-Finnish European, 0.0023%; no homozygotes.

Submissions (2):

Ambry Genetics
Classification: Uncertain significance. Last evaluated: 2025-12-15. Review status: criteria provided, single submitter. Criteria: Ambry Variant Classification Scheme 2023. Collection method: clinical testing. Allele origin: germline.

Labcorp Genetics (formerly Invitae), Labcorp
Classification: Uncertain significance. Last evaluated: 2022-01-06. Review status: criteria provided, single submitter. Criteria: Invitae Variant Classification Sherloc (09022015). Collection method: clinical testing. Allele origin: germline.
Comment: In summary, the available evidence is currently insufficient to determine the role of this variant in disease. Therefore, it has been classified as a Variant of Uncertain Significance. Algorithms developed to predict the effect of missense changes on protein structure and function are either unavailable or do not agree on the potential impact of this missense change (SIFT: "Tolerated"; PolyPhen-2: "Benign"; Align-GVGD: "Class C25"). ClinVar contains an entry for this variant (Variation ID: 1025882). This missense change has been observed in individual(s) with clinical features of RIMS1-related conditions (Invitae). This variant is present in population databases (rs760207205, gnomAD 0.004%). This sequence change replaces glutamic acid, which is acidic and polar, with alanine, which is neutral and non-polar, at codon 306 of the RIMS1 protein (p.Glu306Ala).

NM_014989.7(RIMS1):c.917A>C (p.Glu306Ala)

Gene: RIMS1 (regulating synaptic membrane exocytosis 1; plus strand). Cytogenetic location: 6q13.
Variant type: single nucleotide variant.
Coding change: c.917A>C on transcript NM_014989.7 (MANE Select); coding-DNA position 917, A replaced by C.
Protein change: p.Glu306Ala; replaces glutamic acid 306 with alanine.
Molecular consequence: missense variant.
Genome position (GRCh38, 1-based): chr6:72,182,388, A>C. VCF-style: chr6-72182388-A-C. GRCh37 (hg19) VCF-style: chr6-72892091-A-C.
Other names: c.917A>C (NM_014989.4); short protein forms E306A.
Identifiers: ClinVar variation 1025882 (VCV001025882.9), dbSNP rs760207205, ClinGen allele CA3885617.